The following is an entry in ClinVar:

ClinVar aggregate classification (germline): Uncertain significance (1 of 4 stars; one submission).

Conditions:
Hereditary pheochromocytoma and paraganglioma. Also called: Hereditary pheochromocytoma-paraganglioma; Hereditary Paraganglioma-Pheochromocytoma Syndromes; Hereditary paragangliomas and pheochromocytomas. Identifiers: Orphanet 29072, MedGen C4274332, MONDO:0017366.

Allele frequency attached by ClinVar (database versions not stated): TOPMed below 0.00001.

Submission:

Labcorp Genetics (formerly Invitae), Labcorp
Classification: Uncertain significance for Hereditary pheochromocytoma and paraganglioma. Last evaluated: 2024-03-28. Review status: criteria provided, single submitter. Criteria: Invitae Variant Classification Sherloc (09022015). Collection method: clinical testing. Allele origin: germline.
Comment: This sequence change replaces glutamic acid, which is acidic and polar, with aspartic acid, which is acidic and polar, at codon 204 of the TMEM127 protein (p.Glu204Asp). This variant is not present in population databases (gnomAD no frequency). This variant has not been reported in the literature in individuals affected with TMEM127-related conditions. ClinVar contains an entry for this variant (Variation ID: 1022225). An algorithm developed to predict the effect of missense changes on protein structure and function (PolyPhen-2) suggests that this variant is likely to be disruptive. In summary, the available evidence is currently insufficient to determine the role of this variant in disease. Therefore, it has been classified as a Variant of Uncertain Significance.

NM_017849.4(TMEM127):c.612G>C (p.Glu204Asp)

Gene: TMEM127 (transmembrane protein 127; minus strand). Cytogenetic location: 2q11.2.
Variant type: single nucleotide variant.
Coding change: c.612G>C on transcript NM_017849.4 (MANE Select); coding-DNA position 612, G replaced by C.
Protein change: p.Glu204Asp; replaces glutamic acid 204 with aspartic acid.
Molecular consequence: missense variant.
Genome position (GRCh38, 1-based): chr2:96,253,913, C>G on the plus strand (G>C on the coding strand, the complement: TMEM127 is on the minus strand). VCF-style: chr2-96253913-C-G. GRCh37 (hg19) VCF-style: chr2-96919651-C-G.
Other names: c.612G>C, p.Glu204Asp (NM_001193304.3); short protein forms E204D.
Identifiers: ClinVar variation 1022225 (VCV001022225.8), dbSNP rs1684144140, ClinGen allele CA347651940.